The following is an entry in ClinVar:

ClinVar aggregate classification (germline): Benign/Likely benign. Review status: criteria provided, multiple submitters, no conflicts (2 of 4 stars). 5 submissions from 5 submitters: Benign (2); Likely benign (3). Last evaluated 2026-07-01.

Conditions:
Orthostatic hypotension 1 (ORTHYP1). Also called: Dopamine beta-hydroxylase deficiency; Orthostatic hypotension 1, due to DBH deficiency; NORADRENALINE DEFICIENCY; NOREPINEPHRINE DEFICIENCY. Identifiers: Orphanet 230, MedGen C4746777, MONDO:0009123, OMIM 223360.

Allele frequency attached by ClinVar (database versions not stated): TOPMed 0.00133; ESP Exome Variant Server 0.00146; 1000 Genomes Project 30x 0.00156; 1000 Genomes Project 0.00200; gnomAD 0.01166.

Submissions (5):

CeGaT Center for Human Genetics Tuebingen
Classification: Likely benign. Last evaluated: 2026-07-01. Review status: criteria provided, single submitter. Criteria: CeGaT Center For Human Genetics Tuebingen Variant Classification Criteria Version 2. Collection method: clinical testing. Allele origin: germline. Affected: yes. Observed: 2 variant alleles.
Comment: DBH: BP4, BS2

Labcorp Genetics (formerly Invitae), Labcorp
Classification: Benign for Orthostatic hypotension 1. Last evaluated: 2026-01-13. Review status: criteria provided, single submitter. Criteria: Invitae Variant Classification Sherloc (09022015). Collection method: clinical testing. Allele origin: germline.

Blueprint Genetics
Classification: Benign. Last evaluated: 2024-11-25. Review status: criteria provided, single submitter. Criteria: ACMG Guidelines, 2015. Collection method: clinical testing. Allele origin: germline.

Illumina Laboratory Services, Illumina
Classification: Likely benign for Orthostatic hypotension 1. Last evaluated: 2018-01-12. Review status: criteria provided, single submitter. Criteria: ICSL Variant Classification Criteria 13 December 2019. Collection method: clinical testing. Allele origin: germline.
Comment: This variant was observed in the ICSL laboratory as part of a predisposition screen in an ostensibly healthy population. It had not been previously curated by ICSL or reported in the Human Gene Mutation Database (HGMD: prior to June 1st, 2018), and was therefore a candidate for classification through an automated scoring system. Utilizing variant allele frequency, disease prevalence and penetrance estimates, and inheritance mode, an automated score was calculated to assess if this variant is too frequent to cause the disease. Based on the score and internal cut-off values, a variant classified as likely benign is not then subjected to further curation. The score for this variant resulted in a classification of likely benign for this disease.

Breakthrough Genomics
Classification: Likely benign. Review status: criteria provided, single submitter. Criteria: ACMG Guidelines, 2015. Collection method: not provided. Allele origin: germline. Inheritance: Autosomal recessive inheritance. Affected: yes.

NM_000787.4(DBH):c.235C>T (p.Arg79Trp)

Gene: DBH (dopamine beta-hydroxylase; plus strand). Cytogenetic location: 9q34.2.
Variant type: single nucleotide variant.
Coding change: c.235C>T on transcript NM_000787.4 (MANE Select); coding-DNA position 235, C replaced by T.
Protein change: p.Arg79Trp; replaces arginine 79 with tryptophan.
Molecular consequence: missense variant.
Genome position (GRCh38, 1-based): chr9:133,636,606, C>T. VCF-style: chr9-133636606-C-T. GRCh37 (hg19) VCF-style: chr9-136501728-C-T.
Other names: short protein forms R79W.
Identifiers: ClinVar variation 365631 (VCV000365631.35), dbSNP rs77273740, ClinGen allele CA5312976.